The following is an entry in ClinVar:

NM_000719.7(CACNA1C):c.4114T>A (p.Phe1372Ile)

Gene: CACNA1C (calcium voltage-gated channel subunit alpha1 C; plus strand). Cytogenetic location: 12p13.33.
Variant type: single nucleotide variant.
Coding change: c.4114T>A on transcript NM_000719.7 (MANE Select); coding-DNA position 4114, T replaced by A.
Protein change: p.Phe1372Ile; replaces phenylalanine 1372 with isoleucine.
Molecular consequence: missense variant.
Genome position (GRCh38, 1-based): chr12:2,653,874, T>A. VCF-style: chr12-2653874-T-A. GRCh37 (hg19) VCF-style: chr12-2763040-T-A.
Other names: c.4258T>A, p.Phe1420Ile (NM_001129827.2, NM_199460.4); c.4180T>A, p.Phe1394Ile (NM_001129829.2); c.4114T>A, p.Phe1372Ile (NM_001129830.3, NM_001129833.2, NM_001129834.2 and 7 more transcripts); c.4198T>A, p.Phe1400Ile (NM_001129831.2); c.4174T>A, p.Phe1392Ile (NM_001129832.2); c.4165T>A, p.Phe1389Ile (NM_001129836.2); c.4081T>A, p.Phe1361Ile (NM_001129837.2, NM_001129838.2, NM_001129846.2 and 1 more transcripts); c.4075T>A, p.Phe1359Ile (NM_001129839.2); and 1 more; short protein forms F1359I, F1361I, F1369I, F1372I, F1389I, F1392I, F1394I, F1400I.
Identifiers: ClinVar variation 4527950 (VCV004527950.1).

ClinVar aggregate classification (germline): Uncertain significance (1 of 4 stars; one submission).

Submission:

GeneDx
Classification: Uncertain significance. Last evaluated: 2025-05-09. Review status: criteria provided, single submitter. Criteria: GeneDx Variant Classification Process June 2021. Collection method: clinical testing. Allele origin: germline. Affected: yes.
Comment: Not observed at significant frequency in large population cohorts (gnomAD); In silico analysis supports that this missense variant has a deleterious effect on protein structure/function; Has not been previously published as pathogenic or benign to our knowledge